The following is an entry in ClinVar:

ClinVar aggregate classification (germline): Uncertain significance (1 of 4 stars; one submission).

Allele frequency attached by ClinVar (database versions not stated): gnomAD exomes below 0.00001.
gnomAD v4.1: 1 of 1,610,342 alleles (0.000062%); highest among the groups gnomAD compares: Non-Finnish European, 0.000085%; no homozygotes.

Submission:

Labcorp Genetics (formerly Invitae), Labcorp
Classification: Uncertain significance. Last evaluated: 2022-08-23. Review status: criteria provided, single submitter. Criteria: Invitae Variant Classification Sherloc (09022015). Collection method: clinical testing. Allele origin: germline.
Comment: In summary, the available evidence is currently insufficient to determine the role of this variant in disease. Therefore, it has been classified as a Variant of Uncertain Significance. Algorithms developed to predict the effect of sequence changes on RNA splicing suggest that this variant may disrupt the consensus splice site. This variant has not been reported in the literature in individuals affected with JAK2-related conditions. This variant is not present in population databases (gnomAD no frequency). This sequence change affects an acceptor splice site in intron 5 of the JAK2 gene. It is expected to disrupt RNA splicing. Variants that disrupt the donor or acceptor splice site typically lead to a loss of protein function (PMID: 16199547), however the current clinical and genetic evidence is not sufficient to establish whether loss-of-function variants in JAK2 cause disease.

Literature cited by the submitters: PubMed 16199547.

NM_004972.4(JAK2):c.469-1G>C

Genes: INSL6 (insulin like 6; minus strand), JAK2 (Janus kinase 2; plus strand). Cytogenetic location: 9p24.1.
Variant type: single nucleotide variant.
Coding change: c.469-1G>C on transcript NM_004972.4 (MANE Select); the canonical splice acceptor site of the intron before coding-DNA position 469, G replaced by C.
Molecular consequence: splice acceptor variant.
Genome position (GRCh38, 1-based): chr9:5,050,685, G>C. VCF-style: chr9-5050685-G-C. GRCh37 (hg19) VCF-style: chr9-5050685-G-C.
Other names: c.469-1G>C (NM_001322194.2, NM_001322195.2, NM_001322196.2); c.-652-1G>C (NM_001322198.2, NM_001322199.2); c.22-1G>C (NM_001322204.2).
Identifiers: ClinVar variation 2026507 (VCV002026507.4), dbSNP rs2488957279, ClinGen allele CA372818459.
Genomic context (GRCh38, chr9:5,050,685, plus strand): 5'-TAGATTAAAACATGATAATGAAACTTACGATGAGATATTTCCTTCAAATTTTTGGTTTTA[G>C]TGGCGGCATGATTTTGTGCACGGATGGATAAAAGTACCTGTGACTCATGAAACACAGGAA-3'